The following is an entry in ClinVar:

NM_001367823.1(ARHGEF18):c.3560_3577del (p.Val1187_Ala1192del)

Gene: ARHGEF18 (Rho/Rac guanine nucleotide exchange factor 18; plus strand). Cytogenetic location: 19p13.2.
Variant type: Deletion.
Coding change: c.3560_3577del on transcript NM_001367823.1 (MANE Select); coding-DNA positions 3560 to 3577, 18 bases deleted (TGGGGCCAGAGTACGCAG).
Protein change: p.Val1187_Ala1192del.
Molecular consequence: inframe deletion.
Genome position (GRCh38, 1-based): chr19:7,468,904-7,468,921, TGGGGCCAGAGTACGCAG deleted; deleting any 18 consecutive bases within chr19:7,468,903-7,468,921 gives the same sequence; the c. name uses the placement nearest the transcript's 3' end. VCF-style (leftmost placement, unchanged base first): chr19-7468902-CGTGGGGCCAGAGTACGCA-C. GRCh37 (hg19) VCF-style: chr19-7533788-CGTGGGGCCAGAGTACGCA-C.
Other names: c.2834_2851del, p.Val945_Ala950del (NM_001130955.2); c.2522_2539del, p.Val841_Ala846del (NM_001367824.1, NM_015318.4).
Identifiers: ClinVar variation 1374556 (VCV001374556.6), dbSNP rs781415264, ClinGen allele CA9137170.

ClinVar aggregate classification (germline): Uncertain significance (1 of 4 stars; one submission).

Submission:

Labcorp Genetics (formerly Invitae), Labcorp
Classification: Uncertain significance. Last evaluated: 2022-07-25. Review status: criteria provided, single submitter. Criteria: Invitae Variant Classification Sherloc (09022015). Collection method: clinical testing. Allele origin: germline.
Comment: This variant is present in population databases (rs781415264, gnomAD 0.001%). This variant, c.2996_3013del, results in the deletion of 6 amino acid(s) of the ARHGEF18 protein (p.Val999_Ala1004del), but otherwise preserves the integrity of the reading frame. This variant has not been reported in the literature in individuals affected with ARHGEF18-related conditions. In summary, the available evidence is currently insufficient to determine the role of this variant in disease. Therefore, it has been classified as a Variant of Uncertain Significance. Experimental studies and prediction algorithms are not available or were not evaluated, and the functional significance of this variant is currently unknown. ClinVar contains an entry for this variant (Variation ID: 1374556).